The following is an entry in ClinVar:

NM_001034853.2(RPGR):c.2517A>G (p.Glu839=)

Gene: RPGR (retinitis pigmentosa GTPase regulator; minus strand). Cytogenetic location: Xp11.4.
Variant type: single nucleotide variant.
Coding change: c.2517A>G on transcript NM_001034853.2 (MANE Select); coding-DNA position 2517, A replaced by G.
Protein change: p.Glu839=; no amino-acid change (glutamic acid 839 retained).
Molecular consequence: synonymous variant. On other transcripts: intron variant (8).
Genome position (GRCh38, 1-based): chrX:38,286,482, T>C on the plus strand (A>G on the coding strand, the complement: RPGR is on the minus strand). VCF-style: chrX-38286482-T-C. GRCh37 (hg19) VCF-style: chrX-38145735-T-C.
Other names: c.1569+4477A>G (NM_001367249.1, NM_001367250.1); c.1902+612A>G (NM_001367245.1); c.1386+4477A>G (NM_001367251.1); c.1719+612A>G (NM_001367246.1); c.1572+4477A>G (NM_001367247.1); c.1905+612A>G (NM_000328.3); c.1602+4477A>G (NM_001367248.1).
Identifiers: ClinVar variation 695303 (VCV000695303.22), dbSNP rs755138994, ClinGen allele CA10385275.

ClinVar aggregate classification (germline): Likely benign. Review status: criteria provided, multiple submitters, no conflicts (2 of 4 stars). 4 submissions from 4 submitters: Likely benign (4). Last evaluated 2026-05-01.

Conditions:
Primary ciliary dyskinesia. Also called: Ciliary dyskinesia. Identifiers: Orphanet 244, MedGen C0008780, MONDO:0016575, HP:0012265.

Allele frequency attached by ClinVar (database versions not stated): gnomAD exomes 0.00016; ExAC 0.00018; 1000 Genomes Project 0.00636.

Submissions (4):

CeGaT Center for Human Genetics Tuebingen
Classification: Likely benign. Last evaluated: 2026-05-01. Review status: criteria provided, single submitter. Criteria: CeGaT Center For Human Genetics Tuebingen Variant Classification Criteria Version 2. Collection method: clinical testing. Allele origin: germline. Affected: yes. Observed: 2 variant alleles.
Comment: RPGR: BP4, BP7

Labcorp Genetics (formerly Invitae), Labcorp
Classification: Likely benign for Primary ciliary dyskinesia. Last evaluated: 2024-10-22. Review status: criteria provided, single submitter. Criteria: Invitae Variant Classification Sherloc (09022015). Collection method: clinical testing. Allele origin: germline.

Blueprint Genetics
Classification: Likely benign. Last evaluated: 2021-12-30. Review status: criteria provided, single submitter. Criteria: ACMG Guidelines, 2015. Collection method: clinical testing. Allele origin: germline.

Breakthrough Genomics
Classification: Likely benign. Review status: criteria provided, single submitter. Criteria: ACMG Guidelines, 2015. Collection method: not provided. Allele origin: germline. Inheritance: X-linked inheritance. Affected: yes.